The following is an entry in ClinVar:

ClinVar aggregate classification (germline): Uncertain significance (1 of 4 stars; one submission).

Allele frequency attached by ClinVar (database versions not stated): gnomAD exomes below 0.00001; TOPMed 0.00001; ExAC 0.00001; ESP Exome Variant Server 0.00008.
gnomAD v4.1: 6 of 1,614,118 alleles (0.00037%); highest among the groups gnomAD compares: African/African-American, 0.0013%; no homozygotes.

Submission:

Labcorp Genetics (formerly Invitae), Labcorp
Classification: Uncertain significance. Last evaluated: 2025-04-28. Review status: criteria provided, single submitter. Criteria: Invitae Variant Classification Sherloc (09022015). Collection method: clinical testing. Allele origin: germline.
Comment: This sequence change replaces arginine, which is basic and polar, with histidine, which is basic and polar, at codon 415 of the CFB protein (p.Arg415His). The frequency data for this variant in the population databases is considered unreliable, as metrics indicate poor data quality at this position in the gnomAD database. This variant has not been reported in the literature in individuals affected with CFB-related conditions. ClinVar contains an entry for this variant (Variation ID: 2003617). An algorithm developed to predict the effect of missense changes on protein structure and function outputs the following: PolyPhen-2: "Benign". The histidine amino acid residue is found in multiple mammalian species, which suggests that this missense change does not adversely affect protein function. In summary, the available evidence is currently insufficient to determine the role of this variant in disease. Therefore, it has been classified as a Variant of Uncertain Significance.

NM_001710.6(CFB):c.1244G>A (p.Arg415His)

Gene: CFB (complement factor B; plus strand). Cytogenetic location: 6p21.33.
Variant type: single nucleotide variant.
Coding change: c.1244G>A on transcript NM_001710.6 (MANE Select); coding-DNA position 1244, G replaced by A.
Protein change: p.Arg415His; replaces arginine 415 with histidine.
Molecular consequence: missense variant.
Genome position (GRCh38, 1-based): chr6:31,949,318, G>A. VCF-style: chr6-31949318-G-A. GRCh37 (hg19) VCF-style: chr6-31917095-G-A.
Other names: short protein forms R415H.
Identifiers: ClinVar variation 2003617 (VCV002003617.4), dbSNP rs150398964, ClinGen allele CA3728279.